The following is an entry in ClinVar:

NM_000532.5(PCCB):c.5C>T (p.Ala2Val)

Gene: PCCB (propionyl-CoA carboxylase subunit beta; plus strand). Cytogenetic location: 3q22.3.
Variant type: single nucleotide variant.
Coding change: c.5C>T on transcript NM_000532.5 (MANE Select); coding-DNA position 5, C replaced by T.
Protein change: p.Ala2Val; replaces alanine 2 with valine.
Molecular consequence: missense variant.
Genome position (GRCh38, 1-based): chr3:136,250,380, C>T. VCF-style: chr3-136250380-C-T. GRCh37 (hg19) VCF-style: chr3-135969222-C-T.
Other names: c.5C>T, p.Ala2Val (NM_001178014.2); short protein forms A2V.
Identifiers: ClinVar variation 2169171 (VCV002169171.1), dbSNP rs748003396, ClinGen allele CA2631540.

ClinVar aggregate classification (germline): Uncertain significance (1 of 4 stars; one submission).

Conditions:
Propionic acidemia (PROP). Also called: GLYCINEMIA, KETOTIC; HYPERGLYCINEMIA WITH KETOACIDOSIS AND LEUKOPENIA; KETOTIC HYPERGLYCINEMIA. Identifiers: Orphanet 35, MedGen C0268579, MONDO:0011628, OMIM 606054, HP:0003571.

Allele frequency attached by ClinVar (database versions not stated): gnomAD 0.00001; TOPMed 0.00002; ExAC 0.00008.
gnomAD v4.1: 183 of 1,526,734 alleles (0.012%); highest among the groups gnomAD compares: Non-Finnish European, 0.016%; no homozygotes.

Submission:

Labcorp Genetics (formerly Invitae), Labcorp
Classification: Uncertain significance for Propionic acidemia. Last evaluated: 2022-04-15. Review status: criteria provided, single submitter. Criteria: Invitae Variant Classification Sherloc (09022015). Collection method: clinical testing. Allele origin: germline.
Comment: This sequence change replaces alanine, which is neutral and non-polar, with valine, which is neutral and non-polar, at codon 2 of the PCCB protein (p.Ala2Val). The frequency data for this variant in the population databases is considered unreliable, as metrics indicate poor data quality at this position in the gnomAD database. This variant has not been reported in the literature in individuals affected with PCCB-related conditions. Advanced modeling of protein sequence and biophysical properties (such as structural, functional, and spatial information, amino acid conservation, physicochemical variation, residue mobility, and thermodynamic stability) performed at Invitae indicates that this missense variant is not expected to disrupt PCCB protein function. In summary, the available evidence is currently insufficient to determine the role of this variant in disease. Therefore, it has been classified as a Variant of Uncertain Significance.